The following is an entry in ClinVar:

NM_000204.5(CFI):c.70T>A (p.Ser24Thr)

Gene: CFI (complement factor I; minus strand). Cytogenetic location: 4q25.
Variant type: single nucleotide variant.
Coding change: c.70T>A on transcript NM_000204.5 (MANE Select); coding-DNA position 70, T replaced by A.
Protein change: p.Ser24Thr; replaces serine 24 with threonine.
Molecular consequence: missense variant. On other transcripts: non-coding transcript variant (3), intron variant (1).
Genome position (GRCh38, 1-based): chr4:109,766,812, A>T on the plus strand (T>A on the coding strand, the complement: CFI is on the minus strand). VCF-style: chr4-109766812-A-T. GRCh37 (hg19) VCF-style: chr4-110687968-A-T.
Other names: c.70T>A, p.Ser24Thr (NM_001318057.2, NM_001331035.2, NM_001375278.1 and 5 more transcripts); c.-127-5120T>A (NM_001375284.1); short protein forms S24T.
Identifiers: ClinVar variation 2833811 (VCV002833811.3), dbSNP rs142082904, ClinGen allele CA3042352.

ClinVar aggregate classification (germline): Uncertain significance (1 of 4 stars; one submission).

Allele frequency attached by ClinVar (database versions not stated): gnomAD exomes below 0.00001; ExAC 0.00001; gnomAD 0.00001; TOPMed 0.00001; ESP Exome Variant Server 0.00008.
gnomAD v4.1: 2 of 1,614,038 alleles (0.00012%); highest among the groups gnomAD compares: Non-Finnish European, 0.00017%; no homozygotes.

Submission:

Labcorp Genetics (formerly Invitae), Labcorp
Classification: Uncertain significance. Last evaluated: 2023-09-22. Review status: criteria provided, single submitter. Criteria: Invitae Variant Classification Sherloc (09022015). Collection method: clinical testing. Allele origin: germline.
Comment: This sequence change replaces serine, which is neutral and polar, with threonine, which is neutral and polar, at codon 24 of the CFI protein (p.Ser24Thr). This variant is not present in population databases (gnomAD no frequency). This variant has not been reported in the literature in individuals affected with CFI-related conditions. Advanced modeling of protein sequence and biophysical properties (such as structural, functional, and spatial information, amino acid conservation, physicochemical variation, residue mobility, and thermodynamic stability) performed at Invitae indicates that this missense variant is not expected to disrupt CFI protein function. In summary, the available evidence is currently insufficient to determine the role of this variant in disease. Therefore, it has been classified as a Variant of Uncertain Significance.